The following is an entry in ClinVar:

ClinVar aggregate classification (germline): Conflicting classifications of pathogenicity. Review status: criteria provided, conflicting classifications (1 of 4 stars). 2 submissions from 2 submitters: Uncertain significance (1); Likely benign (1). Last evaluated 2026-01-26.

gnomAD v4.1: 51 of 1,613,732 alleles (0.0032%); highest among the groups gnomAD compares: Middle Eastern, 0.033%; no homozygotes.

Submissions (2):

Labcorp Genetics (formerly Invitae), Labcorp
Classification: Uncertain significance. Last evaluated: 2026-01-26. Review status: criteria provided, single submitter. Criteria: Invitae Variant Classification Sherloc (09022015). Collection method: clinical testing. Allele origin: germline.
Comment: This sequence change replaces glycine, which is neutral and non-polar, with arginine, which is basic and polar, at codon 513 of the CDH2 protein (p.Gly513Arg). This variant is present in population databases (rs201838069, gnomAD 0.01%). This variant has not been reported in the literature in individuals affected with CDH2-related conditions. ClinVar contains an entry for this variant (Variation ID: 1412067). An algorithm developed to predict the effect of missense changes on protein structure and function (PolyPhen-2) suggests that this variant is likely to be disruptive. In summary, the available evidence is currently insufficient to determine the role of this variant in disease. Therefore, it has been classified as a Variant of Uncertain Significance.

Blueprint Genetics
Classification: Likely benign. Last evaluated: 2024-11-25. Review status: criteria provided, single submitter. Criteria: ACMG Guidelines, 2015. Collection method: clinical testing. Allele origin: germline.

NM_001792.5(CDH2):c.1537G>C (p.Gly513Arg)

Gene: CDH2 (cadherin 2; minus strand). Cytogenetic location: 18q12.1.
Variant type: single nucleotide variant.
Coding change: c.1537G>C on transcript NM_001792.5 (MANE Select); coding-DNA position 1537, G replaced by C.
Protein change: p.Gly513Arg; replaces glycine 513 with arginine.
Molecular consequence: missense variant.
Genome position (GRCh38, 1-based): chr18:27,990,158, C>G on the plus strand (G>C on the coding strand, the complement: CDH2 is on the minus strand). VCF-style: chr18-27990158-C-G. GRCh37 (hg19) VCF-style: chr18-25570122-C-G.
Other names: c.1444G>C, p.Gly482Arg (NM_001308176.2); short protein forms G482R, G513R.
Identifiers: ClinVar variation 1412067 (VCV001412067.7), dbSNP rs201838069, ClinGen allele CA8923371.